The following is an entry in ClinVar:

NM_000264.5(PTCH1):c.889C>T (p.Leu297Phe)

Gene: PTCH1 (patched 1; minus strand). Cytogenetic location: 9q22.32.
Variant type: single nucleotide variant.
Coding change: c.889C>T on transcript NM_000264.5 (MANE Select); coding-DNA position 889, C replaced by T.
Protein change: p.Leu297Phe; replaces leucine 297 with phenylalanine.
Molecular consequence: missense variant. On other transcripts: non-coding transcript variant (1).
Genome position (GRCh38, 1-based): chr9:95,480,446, G>A on the plus strand (C>T on the coding strand, the complement: PTCH1 is on the minus strand). VCF-style: chr9-95480446-G-A. GRCh37 (hg19) VCF-style: chr9-98242728-G-A.
Other names: c.691C>T, p.Leu231Phe (NM_001083602.3); c.886C>T, p.Leu296Phe (NM_001083603.3); c.436C>T, p.Leu146Phe (NM_001083604.3, NM_001083605.3, NM_001083606.3 and 1 more transcripts); c.889C>T, p.Leu297Phe (NM_001354918.2); short protein forms L297F, L146F, L231F, L296F.
Identifiers: ClinVar variation 1504034 (VCV001504034.9), dbSNP rs1841445491, ClinGen allele CA374113844.
Genomic context (GRCh38, chr9:95,480,446, plus strand): 5'-TCACTTTGGTTGAATTTTTGTTGGGGGCTGTGGCGGGGCAGTCTGGATCGGCCGGATTGA[G>A]GCAGGGGCGGTCCATGTAACCATGACCAACCTCAGCCTTATTCAGCATTTCCTCCCAGCT-3'
Protein context (NP_000255.2, residues 287-307): VGHGYMDRPC[Leu297Phe]NPADPDCPAT

ClinVar aggregate classification (germline): Uncertain significance. Review status: criteria provided, multiple submitters, no conflicts (2 of 4 stars). 2 submissions from 2 submitters: Uncertain significance (2). Last evaluated 2026-07-06.

Conditions:
Gorlin syndrome. Also called: Nevoid Basal Cell Carcinoma Syndrome; Basal cell nevus syndrome. Identifiers: Orphanet 377, MedGen C0004779, MONDO:0007187.
Hereditary cancer-predisposing syndrome. Also called: Hereditary Cancer Syndrome; Tumor predisposition; Neoplastic Syndromes, Hereditary; Hereditary neoplastic syndrome. Identifiers: Orphanet 140162, MedGen C0027672, MeSH D009386, MONDO:0015356.

Submissions (2):

Ambry Genetics
Classification: Uncertain significance for Hereditary cancer-predisposing syndrome. Last evaluated: 2026-07-06. Review status: criteria provided, single submitter. Criteria: Ambry Variant Classification Scheme 2023. Collection method: clinical testing. Allele origin: germline.
Comment: The p.L297F variant (also known as c.889C>T), located in coding exon 6 of the PTCH1 gene, results from a C to T substitution at nucleotide position 889. The leucine at codon 297 is replaced by phenylalanine, an amino acid with highly similar properties. This amino acid position is highly conserved in available vertebrate species. In addition, this alteration is predicted to be deleterious by in silico analysis. Based on the available evidence, the clinical significance of this variant remains unclear.

Labcorp Genetics (formerly Invitae), Labcorp
Classification: Uncertain significance for Gorlin syndrome. Last evaluated: 2021-09-09. Review status: criteria provided, single submitter. Criteria: Invitae Variant Classification Sherloc (09022015). Collection method: clinical testing. Allele origin: germline.
Comment: In summary, the available evidence is currently insufficient to determine the role of this variant in disease. Therefore, it has been classified as a Variant of Uncertain Significance. Algorithms developed to predict the effect of missense changes on protein structure and function are either unavailable or do not agree on the potential impact of this missense change (SIFT: "Deleterious"; PolyPhen-2: "Probably Damaging"; Align-GVGD: "Class C0"). This variant has not been reported in the literature in individuals affected with PTCH1-related conditions. This variant is not present in population databases (ExAC no frequency). This sequence change replaces leucine with phenylalanine at codon 297 of the PTCH1 protein (p.Leu297Phe). The leucine residue is highly conserved and there is a small physicochemical difference between leucine and phenylalanine.